The following is an entry in ClinVar:

NM_001085458.2(CTNND1):c.421G>A (p.Val141Ile)

Genes: CTNND1 (catenin delta 1; plus strand), TMX2-CTNND1 (TMX2-CTNND1 readthrough (NMD candidate); plus strand). Cytogenetic location: 11q12.1.
Variant type: single nucleotide variant.
Coding change: c.421G>A on transcript NM_001085458.2 (MANE Select); coding-DNA position 421, G replaced by A.
Protein change: p.Val141Ile; replaces valine 141 with isoleucine.
Molecular consequence: missense variant. On other transcripts: non-coding transcript variant (1).
Genome position (GRCh38, 1-based): chr11:57,796,457, G>A. VCF-style: chr11-57796457-G-A. GRCh37 (hg19) VCF-style: chr11-57563929-G-A.
Other names: c.421G>A, p.Val141Ile (NM_001085459.2, NM_001085460.2, NM_001085461.2 and 3 more transcripts); c.118G>A, p.Val40Ile (NM_001085463.2, NM_001085464.2, NM_001085465.2 and 5 more transcripts); c.259G>A, p.Val87Ile (NM_001206883.2, NM_001206884.2, NM_001206886.2 and 4 more transcripts); short protein forms V141I, V40I, V87I.
Identifiers: ClinVar variation 2672467 (VCV002672467.23), dbSNP rs2497136638, ClinGen allele CA380723793.
Genomic context (GRCh38, chr11:57,796,457, plus strand): 5'-AAAGAATTTAATTGCTCACTTCCTTAATTAGTTTTTCTTTTTCTTGTTTCCTACTTGCAG[G>A]TCAAGAAAGTAGTGAAGACTGTGACAACACGGACAGTACAGCCAGTCGCTATGGGACCAG-3'
Protein context (NP_001078927.1, residues 131-151): DGTTRRTETT[Val141Ile]KKVVKTVTTR

ClinVar aggregate classification (germline): Uncertain significance (1 of 4 stars; one submission).

Submission:

CeGaT Center for Human Genetics Tuebingen
Classification: Uncertain significance. Last evaluated: 2023-11-01. Review status: criteria provided, single submitter. Criteria: CeGaT Center For Human Genetics Tuebingen Variant Classification Criteria Version 2. Collection method: clinical testing. Allele origin: germline. Affected: yes. Observed: 1 variant allele.
Comment: CTNND1: PM2